The following is an entry in ClinVar:

ClinVar aggregate classification (germline): Uncertain significance (1 of 4 stars; one submission).

Conditions:
Exostoses, multiple, type 2 (EXT2). Also called: EXOSTOSES, MULTIPLE, TYPE II; Hereditary Multiple Osteochondromatosis, Type II. Identifiers: Orphanet 321, MedGen C1851413, MONDO:0007586, OMIM 133701.

Submission:

Labcorp Genetics (formerly Invitae), Labcorp
Classification: Uncertain significance for Exostoses, multiple, type 2. Last evaluated: 2023-04-14. Review status: criteria provided, single submitter. Criteria: Invitae Variant Classification Sherloc (09022015). Collection method: clinical testing. Allele origin: germline.
Comment: Advanced modeling of protein sequence and biophysical properties (such as structural, functional, and spatial information, amino acid conservation, physicochemical variation, residue mobility, and thermodynamic stability) performed at Invitae indicates that this missense variant is not expected to disrupt EXT2 protein function. In summary, the available evidence is currently insufficient to determine the role of this variant in disease. Therefore, it has been classified as a Variant of Uncertain Significance. ClinVar contains an entry for this variant (Variation ID: 1950087). This variant has not been reported in the literature in individuals affected with EXT2-related conditions. This variant is not present in population databases (gnomAD no frequency). This sequence change replaces proline, which is neutral and non-polar, with alanine, which is neutral and non-polar, at codon 247 of the EXT2 protein (p.Pro247Ala).

NM_207122.2(EXT2):c.739C>G (p.Pro247Ala)

Gene: EXT2 (exostosin glycosyltransferase 2; plus strand). Cytogenetic location: 11p11.2.
Variant type: single nucleotide variant.
Coding change: c.739C>G on transcript NM_207122.2 (MANE Select); coding-DNA position 739, C replaced by G.
Protein change: p.Pro247Ala; replaces proline 247 with alanine.
Molecular consequence: missense variant.
Genome position (GRCh38, 1-based): chr11:44,114,297, C>G. VCF-style: chr11-44114297-C-G. GRCh37 (hg19) VCF-style: chr11-44135847-C-G.
Other names: c.838C>G, p.Pro280Ala (NM_000401.3); c.739C>G, p.Pro247Ala (NM_001178083.3, NM_001389628.1, NM_001389630.1); short protein forms P247A, P280A.
Identifiers: ClinVar variation 1950087 (VCV001950087.5), dbSNP rs1590555676, ClinGen allele CA380164904.